The following is an entry in ClinVar:

NM_002335.4(LRP5):c.3028-7C>A

Gene: LRP5 (LDL receptor related protein 5; plus strand). Cytogenetic location: 11q13.2.
Variant type: single nucleotide variant.
Coding change: c.3028-7C>A on transcript NM_002335.4 (MANE Select); 7 bases into the intron before coding-DNA position 3028, C replaced by A.
Molecular consequence: intron variant.
Genome position (GRCh38, 1-based): chr11:68,423,482, C>A. VCF-style: chr11-68423482-C-A. GRCh37 (hg19) VCF-style: chr11-68190950-C-A.
Other names: c.1285-7C>A (NM_001291902.2); c.3028-7C>A (NM_002335.3).
Identifiers: ClinVar variation 1001550 (VCV001001550.10), dbSNP rs1457687408, ClinGen allele CA600239157.

ClinVar aggregate classification (germline): Likely benign. Review status: criteria provided, multiple submitters, no conflicts (2 of 4 stars). 2 submissions from 2 submitters: Likely benign (2). Last evaluated 2025-05-28.

Conditions:
LRP5-related disorder. Also called: LRP5-related condition.

Allele frequency attached by ClinVar (database versions not stated): gnomAD exomes below 0.00001; gnomAD 0.00001.
gnomAD v4.1: 3 of 1,613,832 alleles (0.00019%); highest among the groups gnomAD compares: Non-Finnish European, 0.00025%; no homozygotes.

Submissions (2):

PreventionGenetics, part of Exact Sciences
Classification: Likely benign for LRP5-related condition. Last evaluated: 2025-05-28. Review status: criteria provided, single submitter. Criteria: ACMG Guidelines, 2015. Collection method: clinical testing. Allele origin: germline.
Comment: This variant is classified as likely benign based on ACMG/AMP sequence variant interpretation guidelines (Richards et al. 2015 PMID: 25741868, with internal and published modifications).

Labcorp Genetics (formerly Invitae), Labcorp
Classification: Likely benign. Last evaluated: 2025-03-25. Review status: criteria provided, single submitter. Criteria: Invitae Variant Classification Sherloc (09022015). Collection method: clinical testing. Allele origin: germline.